The following is an entry in ClinVar:

ClinVar aggregate classification (germline): Uncertain significance (1 of 4 stars; one submission).

Conditions:
Dyskeratosis congenita. Identifiers: Orphanet 1775, MedGen C0265965, MONDO:0015780.

Allele frequency attached by ClinVar (database versions not stated): gnomAD exomes 0.00001.

Submission:

Labcorp Genetics (formerly Invitae), Labcorp
Classification: Uncertain significance for Dyskeratosis congenita. Last evaluated: 2023-09-03. Review status: criteria provided, single submitter. Criteria: Invitae Variant Classification Sherloc (09022015). Collection method: clinical testing. Allele origin: germline.
Comment: ClinVar contains an entry for this variant (Variation ID: 570305). This sequence change replaces glycine, which is neutral and non-polar, with aspartic acid, which is acidic and polar, at codon 73 of the TINF2 protein (p.Gly73Asp). This variant is not present in population databases (gnomAD no frequency). This variant has not been reported in the literature in individuals affected with TINF2-related conditions. Algorithms developed to predict the effect of missense changes on protein structure and function output the following: SIFT: "Not Available"; PolyPhen-2: "Probably Damaging"; Align-GVGD: "Not Available". The aspartic acid amino acid residue is found in multiple mammalian species, which suggests that this missense change does not adversely affect protein function. Algorithms developed to predict the effect of sequence changes on RNA splicing suggest that this variant may create or strengthen a splice site. In summary, the available evidence is currently insufficient to determine the role of this variant in disease. Therefore, it has been classified as a Variant of Uncertain Significance.

NM_001099274.3(TINF2):c.218G>A (p.Gly73Asp)

Gene: TINF2 (TERF1 interacting nuclear factor 2; minus strand). Cytogenetic location: 14q12.
Variant type: single nucleotide variant.
Coding change: c.218G>A on transcript NM_001099274.3 (MANE Select); coding-DNA position 218, G replaced by A.
Protein change: p.Gly73Asp; replaces glycine 73 with aspartic acid.
Molecular consequence: missense variant. On other transcripts: intron variant (1).
Genome position (GRCh38, 1-based): chr14:24,241,969, C>T on the plus strand (G>A on the coding strand, the complement: TINF2 is on the minus strand). VCF-style: chr14-24241969-C-T. GRCh37 (hg19) VCF-style: chr14-24711175-C-T.
Other names: c.218G>A, p.Gly73Asp (NM_012461.3); c.192+172G>A (NM_001363668.2); short protein forms G73D.
Identifiers: ClinVar variation 570305 (VCV000570305.8), dbSNP rs1566369238, ClinGen allele CA389234337.
Genomic context (GRCh38, chr14:24,241,969, plus strand): 5'-ATAGGTCCAGATTCTGGAAAGTGGTGATTCAGGGCTTTCAGGACTTGGGCCCAAGGCCGG[C>T]CCTGCAGGATCAGCTCCACCACCACCTGTACGGTACTGAATTCAGAATCCCCACTTCGGG-3'
Protein context (NP_001092744.1, residues 63-83): AKVVVELILQ[Gly73Asp]RPWAQVLKAL